The following is an entry in ClinVar:

ClinVar aggregate classification (germline): Uncertain significance (1 of 4 stars; one submission).

Conditions:
Hereditary cancer-predisposing syndrome. Also called: Neoplastic Syndromes, Hereditary; Tumor predisposition; Hereditary Cancer Syndrome; Hereditary neoplastic syndrome. Identifiers: Orphanet 140162, MedGen C0027672, MeSH D009386, MONDO:0015356.

gnomAD v4.1: 1 of 1,610,690 alleles (0.000062%); no homozygotes.

Submission:

Ambry Genetics
Classification: Uncertain significance for Hereditary cancer-predisposing syndrome. Last evaluated: 2021-07-01. Review status: criteria provided, single submitter. Criteria: Ambry Variant Classification Scheme 2023. Collection method: clinical testing. Allele origin: germline.
Comment: The p.C117R variant (also known as c.349T>C), located in coding exon 4 of the ATM gene, results from a T to C substitution at nucleotide position 349. The cysteine at codon 117 is replaced by arginine, an amino acid with highly dissimilar properties. This amino acid position is conserved. In addition, this alteration is predicted to be deleterious by in silico analysis. Since supporting evidence is limited at this time, the clinical significance of this alteration remains unclear.

NM_000051.4(ATM):c.349T>C (p.Cys117Arg)

Gene: ATM (ATM serine/threonine kinase; plus strand). Cytogenetic location: 11q22.3.
Variant type: single nucleotide variant.
Coding change: c.349T>C on transcript NM_000051.4 (MANE Select); coding-DNA position 349, T replaced by C.
Protein change: p.Cys117Arg; replaces cysteine 117 with arginine.
Molecular consequence: missense variant.
Genome position (GRCh38, 1-based): chr11:108,235,687, T>C. VCF-style: chr11-108235687-T-C. GRCh37 (hg19) VCF-style: chr11-108106414-T-C.
Other names: c.349T>C, p.Cys117Arg (NM_001351834.2); short protein forms C117R.
Identifiers: ClinVar variation 1732036 (VCV001732036.2), dbSNP rs1555059059, ClinGen allele CA382524569.
Genomic context (GRCh38, chr11:108,235,687, plus strand): 5'-TGTTCAAATTTATGTTTTTCTTTATTTGTTTATTTTGAAATAGGAGCACCTAGGCTAAAA[T>C]GTCAAGAACTCTTAAATTATATCATGGATACAGTGAAAGATTCATCTAATGGTGCTATTT-3'
Protein context (NP_000042.3, residues 107-127): CANRRAPRLK[Cys117Arg]QELLNYIMDT